The following is an entry in ClinVar:

ClinVar aggregate classification (germline): Likely pathogenic (1 of 4 stars; one submission).

Conditions:
Cataract 38. Also called: Cataract, autosomal recessive congenital 5; Cataract 38, autosomal recessive. Identifiers: Orphanet 91492, MedGen C3553494, MONDO:0013859, OMIM 614691.
Sengers syndrome. Also called: MITOCHONDRIAL DNA DEPLETION SYNDROME 10 (CARDIOMYOPATHIC TYPE); Cardiomyopathy and cataract. Identifiers: Orphanet 1369, MedGen C1859317, MONDO:0008922, OMIM 212350.

Allele frequency attached by ClinVar (database versions not stated): gnomAD exomes 0.00001.
gnomAD v4.1: 9 of 1,610,316 alleles (0.00056%); highest among the groups gnomAD compares: Non-Finnish European, 0.00076%; no homozygotes.

Submission:

Labcorp Genetics (formerly Invitae), Labcorp
Classification: Likely pathogenic for Sengers syndrome; Cataract 38. Last evaluated: 2022-05-07. Review status: criteria provided, single submitter. Criteria: Invitae Variant Classification Sherloc (09022015). Collection method: clinical testing. Allele origin: germline.
Comment: In summary, the currently available evidence indicates that the variant is pathogenic, but additional data are needed to prove that conclusively. Therefore, this variant has been classified as Likely Pathogenic. Algorithms developed to predict the effect of sequence changes on RNA splicing suggest that this variant may disrupt the consensus splice site. This variant has not been reported in the literature in individuals affected with AGK-related conditions. This variant is not present in population databases (gnomAD no frequency). This sequence change affects an acceptor splice site in intron 8 of the AGK gene. It is expected to disrupt RNA splicing. Variants that disrupt the donor or acceptor splice site typically lead to a loss of protein function (PMID: 16199547), and loss-of-function variants in AGK are known to be pathogenic (PMID: 22284826).

Literature cited by the submitters: PubMed 16199547; PubMed 22284826.

NM_018238.4(AGK):c.519-1G>A

Gene: AGK (acylglycerol kinase; plus strand). Cytogenetic location: 7q34.
Variant type: single nucleotide variant.
Coding change: c.519-1G>A on transcript NM_018238.4 (MANE Select); the canonical splice acceptor site of the intron before coding-DNA position 519, G replaced by A.
Molecular consequence: splice acceptor variant.
Genome position (GRCh38, 1-based): chr7:141,621,731, G>A. VCF-style: chr7-141621731-G-A. GRCh37 (hg19) VCF-style: chr7-141321531-G-A.
Other names: c.519-1G>A (NM_001364948.3).
Identifiers: ClinVar variation 2135115 (VCV002135115.4), dbSNP rs2485410335, ClinGen allele CA369552604.